The following is an entry in ClinVar:

NM_001267550.2(TTN):c.94903C>T (p.Leu31635=)

Genes: TTN (titin; minus strand), TTN-AS1 (TTN antisense RNA 1; plus strand). Cytogenetic location: 2q31.2.
Variant type: single nucleotide variant.
Coding change: c.94903C>T on transcript NM_001267550.2 (MANE Select); coding-DNA position 94903, C replaced by T.
Protein change: p.Leu31635=; no amino-acid change (leucine 31635 retained).
Molecular consequence: synonymous variant.
Genome position (GRCh38, 1-based): chr2:178,546,428, G>A on the plus strand (C>T on the coding strand, the complement: TTN is on the minus strand). VCF-style: chr2-178546428-G-A. GRCh37 (hg19) VCF-style: chr2-179411155-G-A.
Other names: c.89980C>T, p.Leu29994= (NM_001256850.1); c.67708C>T, p.Leu22570= (NM_003319.4); c.87199C>T, p.Leu29067= (NM_133378.4); c.68083C>T, p.Leu22695= (NM_133432.3); c.68284C>T, p.Leu22762= (NM_133437.4).
Identifiers: ClinVar variation 3749721 (VCV003749721.4), dbSNP rs1697164217.
Genomic context (GRCh38, chr2:178,546,428, plus strand): 5'-CCTTGTCTCCTTTGGTCCAGATAATTTTGGGTTCAGGTTTGCCACCAACTGCAGCATCCA[G>A]AACAAGATCAGAACCTGCTCTGATGGTAACCAGATCACCGTGTAATCGGGCATCCAGTTC-3'
Protein context (NP_001254479.2, residues 31625-31645): VTIRAGSDLV[Leu31635=]DAAVGGKPEP

ClinVar aggregate classification (germline): Likely benign. Review status: criteria provided, multiple submitters, no conflicts (2 of 4 stars). 3 submissions from 3 submitters: Likely benign (3). Last evaluated 2026-03-06.

Conditions:
Autosomal recessive limb-girdle muscular dystrophy type 2J (LGMDR10). Also called: Limb-girdle muscular dystrophy, type 2J; MUSCULAR DYSTROPHY, LIMB-GIRDLE, AUTOSOMAL RECESSIVE 10. Identifiers: Orphanet 140922, MedGen C1837342, MONDO:0012127, OMIM 608807.
Dilated cardiomyopathy 1G (CMD1G). Identifiers: Orphanet 154, MedGen C1858763, MONDO:0011400, OMIM 604145.

gnomAD v4.1: 2 of 1,613,720 alleles (0.00012%); highest among the groups gnomAD compares: Non-Finnish European, 0.00017%; no homozygotes.

Submissions (3):

Women's Health and Genetics/Laboratory Corporation of America, LabCorp
Classification: Likely benign. Last evaluated: 2026-03-06. Review status: criteria provided, single submitter. Criteria: LabCorp Variant Classification Summary - May 2015. Collection method: clinical testing. Allele origin: germline.

Molecular Diagnostic Laboratory for Inherited Cardiovascular Disease, Montreal Heart Institute
Classification: Likely benign. Last evaluated: 2025-04-09. Review status: criteria provided, single submitter. Criteria: ACMG Guidelines, 2015. Collection method: clinical testing. Allele origin: germline. Affected: no.
Comment: BP6

Labcorp Genetics (formerly Invitae), Labcorp
Classification: Likely benign for Dilated cardiomyopathy 1G; Autosomal recessive limb-girdle muscular dystrophy type 2J. Last evaluated: 2025-01-23. Review status: criteria provided, single submitter. Criteria: Invitae Variant Classification Sherloc (09022015). Collection method: clinical testing. Allele origin: germline.